The following is an entry in ClinVar:

ClinVar aggregate classification (germline): Uncertain risk allele. Review status: criteria provided, single submitter (1 of 4 stars). 2 submissions from 2 submitters: Uncertain risk allele (1). 1 of the submissions does not count toward it.

Conditions:
Maturity-onset diabetes of the young (MODY). Also called: Maturity onset diabetes mellitus in young. Identifiers: Orphanet 552, MedGen C0342276, MONDO:0018911, HP:0004904.

Submissions (2):

Clinical Genomics, Uppaluri K&H Personalized Medicine Clinic
Classification: Uncertain risk allele for Maturity-onset diabetes of the young. Review status: criteria provided, single submitter. Criteria: K & H Uppaluri Personalized Medicine Clinic Variant Classification & Assertion Criteria_Updated V.1. Collection method: research. Allele origin: unknown. Inheritance: Autosomal dominant inheritance.
Comment: HNF1B gene mutations are associated with early onset diabetes and pancreatic atrophy. It is also associated with multiple renal manifestations including renal cysts, Tubulointerstitial disease, glomerulocystic disease, renal hypoplasia, hypomagnesemia. However no sufficient evidence is found to ascertain the role of this particular variant rs1568665613, yet.

Gharavi Laboratory, Columbia University
Classification: Uncertain significance. Last evaluated: 2018-09-16. Review status: no assertion criteria provided. Criteria: ACMG Guidelines, 2015. Collection method: research. Allele origin: germline. Affected: yes. Not counted in ClinVar's aggregate classification.

Literature cited by the submitters: PubMed 24897035 (cited by Clinical Genomics, Uppaluri K&H Personalized Medicine Clinic); PubMed 25536396 (cited by Clinical Genomics, Uppaluri K&H Personalized Medicine Clinic); PubMed 27615128 (cited by Clinical Genomics, Uppaluri K&H Personalized Medicine Clinic); PubMed 28215227 (cited by Clinical Genomics, Uppaluri K&H Personalized Medicine Clinic); PubMed 33434175 (cited by Clinical Genomics, Uppaluri K&H Personalized Medicine Clinic); PubMed 25741167 (cited by Clinical Genomics, Uppaluri K&H Personalized Medicine Clinic); PubMed 26340261 (cited by Clinical Genomics, Uppaluri K&H Personalized Medicine Clinic); PubMed 19639018 (cited by Clinical Genomics, Uppaluri K&H Personalized Medicine Clinic).

NM_000458.4(HNF1B):c.778G>A (p.Glu260Lys)

Genes: HNF1B (HNF1 homeobox B; minus strand), LOC126862549 (BRD4-independent group 4 enhancer GRCh37_chr17:36093401-36094600; plus strand). Cytogenetic location: 17q12.
Variant type: single nucleotide variant.
Coding change: c.778G>A on transcript NM_000458.4 (MANE Select); coding-DNA position 778, G replaced by A.
Protein change: p.Glu260Lys; replaces glutamic acid 260 with lysine.
Molecular consequence: missense variant.
Genome position (GRCh38, 1-based): chr17:37,733,588, C>T on the plus strand (G>A on the coding strand, the complement: HNF1B is on the minus strand). VCF-style: chr17-37733588-C-T. GRCh37 (hg19) VCF-style: chr17-36093581-C-T.
Other names: c.700G>A, p.Glu234Lys (NM_001165923.4, NM_001304286.2); short protein forms E260K, E234K.
Identifiers: ClinVar variation 591530 (VCV000591530.2), dbSNP rs1568665613, ClinGen allele CA398748049.